The following is an entry in ClinVar:

ClinVar aggregate classification (germline): Benign/Likely benign. Review status: criteria provided, multiple submitters, no conflicts (2 of 4 stars). 3 submissions from 3 submitters: Benign (1); Likely benign (1). 1 of the submissions does not count toward it. Last evaluated 2025-10-08.

Conditions:
Ataxia - intellectual disability - oculomotor apraxia - cerebellar cysts syndrome. Also called: Poretti-Boltshauser syndrome. Identifiers: Orphanet 370022, MedGen C4014821, MONDO:0014419, OMIM 615960.
LAMA1-related disorder. Also called: LAMA1-related condition; LAMA1-related disorders.

Allele frequency attached by ClinVar (database versions not stated): gnomAD 0.00001 and 0.00021; TOPMed 0.00003; gnomAD exomes 0.00043 and 0.00090; 1000 Genomes Project 30x 0.00078; ExAC 0.00091; 1000 Genomes Project 0.00100.
gnomAD v4.1: 654 of 1,614,092 alleles (0.041%); highest among the groups gnomAD compares: South Asian, 0.69%; 12 homozygotes.

Submissions (3):

Labcorp Genetics (formerly Invitae), Labcorp
Classification: Benign. Last evaluated: 2025-10-08. Review status: criteria provided, single submitter. Criteria: Invitae Variant Classification Sherloc (09022015). Collection method: clinical testing. Allele origin: germline.

Department of Pathology and Laboratory Medicine, Sinai Health System
Classification: Likely benign for Ataxia - intellectual disability - oculomotor apraxia - cerebellar cysts syndrome. Last evaluated: 2022-12-13. Review status: criteria provided, single submitter. Criteria: ACMG Guidelines, 2015. Collection method: research. Allele origin: germline.

PreventionGenetics, part of Exact Sciences
Classification: Likely benign for LAMA1-related condition. Last evaluated: 2020-06-25. Review status: no assertion criteria provided. Collection method: clinical testing. Allele origin: germline. Not counted in ClinVar's aggregate classification.
Comment: This variant is classified as likely benign based on ACMG/AMP sequence variant interpretation guidelines (Richards et al. 2015 PMID: 25741868, with internal and published modifications).

NM_005559.4(LAMA1):c.4735A>G (p.Asn1579Asp)

Gene: LAMA1 (laminin subunit alpha 1; minus strand). Cytogenetic location: 18p11.31.
Variant type: single nucleotide variant.
Coding change: c.4735A>G on transcript NM_005559.4 (MANE Select); coding-DNA position 4735, A replaced by G.
Protein change: p.Asn1579Asp; replaces asparagine 1579 with aspartic acid.
Molecular consequence: missense variant.
Genome position (GRCh38, 1-based): chr18:6,997,813, T>C on the plus strand (A>G on the coding strand, the complement: LAMA1 is on the minus strand). VCF-style: chr18-6997813-T-C. GRCh37 (hg19) VCF-style: chr18-6997812-T-C.
Other names: short protein forms N1579D.
Identifiers: ClinVar variation 795914 (VCV000795914.13), dbSNP rs542801679, ClinGen allele CA8881819.